The following is an entry in ClinVar:

ClinVar aggregate classification (germline): Uncertain significance (1 of 4 stars; one submission).

Conditions:
Gingival disorder. Also called: Gingival disease. Identifiers: MedGen C0017563, MONDO:0002021.

gnomAD v4.1: 1 of 1,614,174 alleles (0.000062%); highest among the groups gnomAD compares: Non-Finnish European, 0.000085%; no homozygotes.

Submission:

Labcorp Genetics (formerly Invitae), Labcorp
Classification: Uncertain significance for Gingival disorder. Last evaluated: 2022-10-05. Review status: criteria provided, single submitter. Criteria: Invitae Variant Classification Sherloc (09022015). Collection method: clinical testing. Allele origin: germline.
Comment: This variant has not been reported in the literature in individuals affected with FPR1-related conditions. Algorithms developed to predict the effect of missense changes on protein structure and function are either unavailable or do not agree on the potential impact of this missense change (SIFT: "Deleterious"; PolyPhen-2: "Probably Damaging"; Align-GVGD: "Class C0"). In summary, the available evidence is currently insufficient to determine the role of this variant in disease. Therefore, it has been classified as a Variant of Uncertain Significance. This variant is not present in population databases (gnomAD no frequency). This sequence change replaces phenylalanine, which is neutral and non-polar, with tyrosine, which is neutral and polar, at codon 251 of the FPR1 protein (p.Phe251Tyr).

NM_002029.4(FPR1):c.752T>A (p.Phe251Tyr)

Gene: FPR1 (formyl peptide receptor 1; minus strand). Cytogenetic location: 19q13.41.
Variant type: single nucleotide variant.
Coding change: c.752T>A on transcript NM_002029.4 (MANE Select); coding-DNA position 752, T replaced by A.
Protein change: p.Phe251Tyr; replaces phenylalanine 251 with tyrosine.
Molecular consequence: missense variant.
Genome position (GRCh38, 1-based): chr19:51,746,243, A>T on the plus strand (T>A on the coding strand, the complement: FPR1 is on the minus strand). VCF-style: chr19-51746243-A-T. GRCh37 (hg19) VCF-style: chr19-52249496-A-T.
Other names: c.752T>A, p.Phe251Tyr (NM_001193306.2); short protein forms F251Y.
Identifiers: ClinVar variation 2003590 (VCV002003590.4), dbSNP rs1345865143, ClinGen allele CA407116828.